The following is an entry in ClinVar:

ClinVar aggregate classification (germline): Uncertain significance (1 of 4 stars; one submission).

Conditions:
Developmental and epileptic encephalopathy, 23 (DEE23). Also called: Epileptic encephalopathy, early infantile, 23. Identifiers: Orphanet 411986, MedGen C4014492, MONDO:0014371, OMIM 615859.

Submission:

Labcorp Genetics (formerly Invitae), Labcorp
Classification: Uncertain significance for Developmental and epileptic encephalopathy, 23. Last evaluated: 2022-08-11. Review status: criteria provided, single submitter. Criteria: Invitae Variant Classification Sherloc (09022015). Collection method: clinical testing. Allele origin: germline.
Comment: This sequence change replaces phenylalanine, which is neutral and non-polar, with leucine, which is neutral and non-polar, at codon 1041 of the DOCK7 protein (p.Phe1041Leu). This variant is not present in population databases (gnomAD no frequency). This variant has not been reported in the literature in individuals affected with DOCK7-related conditions. Algorithms developed to predict the effect of missense changes on protein structure and function are either unavailable or do not agree on the potential impact of this missense change (SIFT: "Deleterious"; PolyPhen-2: "Probably Damaging"; Align-GVGD: "Class C0"). In summary, the available evidence is currently insufficient to determine the role of this variant in disease. Therefore, it has been classified as a Variant of Uncertain Significance.

NM_001367561.1(DOCK7):c.3123C>G (p.Phe1041Leu)

Gene: DOCK7 (dedicator of cytokinesis 7; minus strand). Cytogenetic location: 1p31.3.
Variant type: single nucleotide variant.
Coding change: c.3123C>G on transcript NM_001367561.1 (MANE Select); coding-DNA position 3123, C replaced by G.
Protein change: p.Phe1041Leu; replaces phenylalanine 1041 with leucine.
Molecular consequence: missense variant.
Genome position (GRCh38, 1-based): chr1:62,539,815, G>C on the plus strand (C>G on the coding strand, the complement: DOCK7 is on the minus strand). VCF-style: chr1-62539815-G-C. GRCh37 (hg19) VCF-style: chr1-63005486-G-C.
Other names: c.3123C>G, p.Phe1041Leu (NM_001271999.2, NM_001330614.2); c.3030C>G, p.Phe1010Leu (NM_001272000.2, NM_001272001.2, NM_033407.4); short protein forms F1010L, F1041L.
Identifiers: ClinVar variation 1715529 (VCV001715529.6), dbSNP rs2524783302, ClinGen allele CA340610114.